The following is an entry in ClinVar:

ClinVar aggregate classification (germline): Uncertain significance (1 of 4 stars; one submission).

Conditions:
Familial thoracic aortic aneurysm and aortic dissection (TAAD). Also called: Thoracic aortic aneurysms and dissections. Identifiers: Orphanet 91387, MedGen C4707243, MONDO:0019625.

gnomAD v4.1: 1 of 1,614,116 alleles (0.000062%); highest among the groups gnomAD compares: Non-Finnish European, 0.000085%; no homozygotes.

Submission:

Ambry Genetics
Classification: Uncertain significance for Familial thoracic aortic aneurysm and aortic dissection. Last evaluated: 2025-10-29. Review status: criteria provided, single submitter. Criteria: Ambry Variant Classification Scheme 2023. Collection method: clinical testing. Allele origin: germline.
Comment: The p.H975R variant (also known as c.2924A>G), located in coding exon 24 of the FBN1 gene, results from an A to G substitution at nucleotide position 2924. The histidine at codon 975 is replaced by arginine, an amino acid with highly similar properties. This variant was reported in individual(s) with features consistent with aortic aneurysm/dilation (Ambry internal data). This amino acid position is well conserved in available vertebrate species. In addition, the in silico prediction for this alteration is inconclusive. Based on the available evidence, the clinical significance of this variant remains unclear.

NM_000138.5(FBN1):c.2924A>G (p.His975Arg)

Gene: FBN1 (fibrillin 1; minus strand). Cytogenetic location: 15q21.1.
Variant type: single nucleotide variant.
Coding change: c.2924A>G on transcript NM_000138.5 (MANE Select); coding-DNA position 2924, A replaced by G.
Protein change: p.His975Arg; replaces histidine 975 with arginine.
Molecular consequence: missense variant.
Genome position (GRCh38, 1-based): chr15:48,490,009, T>C on the plus strand (A>G on the coding strand, the complement: FBN1 is on the minus strand). VCF-style: chr15-48490009-T-C. GRCh37 (hg19) VCF-style: chr15-48782206-T-C.
Other names: c.2924A>G, p.His975Arg (NM_001406716.1); short protein forms H975R.
Identifiers: ClinVar variation 4635367 (VCV004635367.1).